The following is an entry in ClinVar:

ClinVar aggregate classification (germline): Conflicting classifications of pathogenicity. Review status: criteria provided, conflicting classifications (1 of 4 stars). 2 submissions from 2 submitters: Uncertain significance (1); Likely benign (1). Last evaluated 2026-02-11.

Conditions:
Hereditary cancer-predisposing syndrome. Also called: Neoplastic Syndromes, Hereditary; Tumor predisposition; Hereditary neoplastic syndrome; Hereditary Cancer Syndrome. Identifiers: Orphanet 140162, MedGen C0027672, MeSH D009386, MONDO:0015356.
Familial cancer of breast. Also called: BREAST CANCER, FAMILIAL; hereditary breast carcinoma; Hereditary breast cancer. Identifiers: Orphanet 227535, MedGen C0346153, MONDO:0016419, OMIM 114480. Disease mechanism: loss of function.

Allele frequency attached by ClinVar (database versions not stated): gnomAD exomes below 0.00001; TOPMed below 0.00001.
gnomAD v4.1: 1 of 1,614,218 alleles (0.000062%); highest among the groups gnomAD compares: Non-Finnish European, 0.000085%; no homozygotes.

Submissions (3):

Ambry Genetics
Classification: Likely benign for Hereditary cancer-predisposing syndrome. Last evaluated: 2026-02-11. Review status: criteria provided, single submitter. Criteria: Ambry Variant Classification Scheme 2023. Collection method: clinical testing. Allele origin: germline.

Labcorp Genetics (formerly Invitae), Labcorp
Classification: Uncertain significance for Familial cancer of breast. Last evaluated: 2022-02-07. Review status: criteria provided, single submitter. Criteria: Invitae Variant Classification Sherloc (09022015). Collection method: clinical testing. Allele origin: germline.
Comment: This sequence change replaces methionine, which is neutral and non-polar, with valine, which is neutral and non-polar, at codon 465 of the PALB2 protein (p.Met465Val). This variant is not present in population databases (gnomAD no frequency). This variant has not been reported in the literature in individuals affected with PALB2-related conditions. Algorithms developed to predict the effect of missense changes on protein structure and function output the following: SIFT: "Tolerated"; PolyPhen-2: "Benign"; Align-GVGD: "Class C0". The valine amino acid residue is found in multiple mammalian species, which suggests that this missense change does not adversely affect protein function. ClinVar contains an entry for this variant (Variation ID: 460891). In summary, the available evidence is currently insufficient to determine the role of this variant in disease. Therefore, it has been classified as a Variant of Uncertain Significance.

Dr. Peter K. Rogan Lab, Western University
No classification provided (evidence only). Condition: Hepatocellular carcinoma. Review status: no classification provided. Collection method: in vitro. Allele origin: not applicable. Functional consequence: retained intron. Not counted in ClinVar's aggregate classification.

NM_024675.4(PALB2):c.1393A>G (p.Met465Val)

Gene: PALB2 (partner and localizer of BRCA2; minus strand). Cytogenetic location: 16p12.2.
Variant type: single nucleotide variant.
Coding change: c.1393A>G on transcript NM_024675.4 (MANE Select); coding-DNA position 1393, A replaced by G.
Protein change: p.Met465Val; replaces methionine 465 with valine.
Molecular consequence: missense variant.
Genome position (GRCh38, 1-based): chr16:23,635,153, T>C on the plus strand (A>G on the coding strand, the complement: PALB2 is on the minus strand). VCF-style: chr16-23635153-T-C. GRCh37 (hg19) VCF-style: chr16-23646474-T-C.
Other names: short protein forms M465V.
Identifiers: ClinVar variation 460891 (VCV000460891.11), dbSNP rs1170015107, ClinGen allele CA395131361.